The following is an entry in ClinVar:

NM_019098.5(CNGB3):c.778T>C (p.Cys260Arg)

Gene: CNGB3 (cyclic nucleotide gated channel subunit beta 3; minus strand). Cytogenetic location: 8q21.3.
Variant type: single nucleotide variant.
Coding change: c.778T>C on transcript NM_019098.5 (MANE Select); coding-DNA position 778, T replaced by C.
Protein change: p.Cys260Arg; replaces cysteine 260 with arginine.
Molecular consequence: missense variant.
Genome position (GRCh38, 1-based): chr8:86,666,999, A>G on the plus strand (T>C on the coding strand, the complement: CNGB3 is on the minus strand). VCF-style: chr8-86666999-A-G. GRCh37 (hg19) VCF-style: chr8-87679227-A-G.
Other names: short protein forms C260R.
Identifiers: ClinVar variation 2116431 (VCV002116431.4), dbSNP rs2538124563, ClinGen allele CA371449404.
Genomic context (GRCh38, chr8:86,666,999, plus strand): 5'-CTCTTACAAACTGGAGTCTGGGCTGGATAAATAGCATATCATAAAGGTAGATGATATCAC[A>G]TATGATGTCCGCAATAAGCCAGTAGTGTATGTTGTCTGCGGTTTGATATGGGAAGACGAG-3'
Protein context (NP_061971.3, residues 250-270): IHYWLIADII[Cys260Arg]DIIYLYDMLF

ClinVar aggregate classification (germline): Uncertain significance (1 of 4 stars; one submission).

Submission:

Labcorp Genetics (formerly Invitae), Labcorp
Classification: Uncertain significance. Last evaluated: 2022-03-24. Review status: criteria provided, single submitter. Criteria: Invitae Variant Classification Sherloc (09022015). Collection method: clinical testing. Allele origin: germline.
Comment: In summary, the available evidence is currently insufficient to determine the role of this variant in disease. Therefore, it has been classified as a Variant of Uncertain Significance. Advanced modeling of protein sequence and biophysical properties (such as structural, functional, and spatial information, amino acid conservation, physicochemical variation, residue mobility, and thermodynamic stability) performed at Invitae indicates that this missense variant is expected to disrupt CNGB3 protein function. This variant has not been reported in the literature in individuals affected with CNGB3-related conditions. This variant is not present in population databases (gnomAD no frequency). This sequence change replaces cysteine, which is neutral and slightly polar, with arginine, which is basic and polar, at codon 260 of the CNGB3 protein (p.Cys260Arg).